The following is an entry in ClinVar:

ClinVar aggregate classification (germline): Uncertain significance (1 of 4 stars; one submission).

Conditions:
Fibrous dysplasia of jaw (CRBM). Also called: Cherubism. Identifiers: Orphanet 184, MedGen C0008029, MONDO:0007315, OMIM 118400.

Submission:

Labcorp Genetics (formerly Invitae), Labcorp
Classification: Uncertain significance for Fibrous dysplasia of jaw. Last evaluated: 2024-02-04. Review status: criteria provided, single submitter. Criteria: Invitae Variant Classification Sherloc (09022015). Collection method: clinical testing. Allele origin: germline.
Comment: This sequence change falls in intron 11 of the SH3BP2 gene. It does not directly change the encoded amino acid sequence of the SH3BP2 protein. It affects a nucleotide within the consensus splice site. This variant is not present in population databases (gnomAD no frequency). This variant has not been reported in the literature in individuals affected with SH3BP2-related conditions. Variants that disrupt the consensus splice site are a relatively common cause of aberrant splicing (PMID: 17576681, 9536098). In summary, the available evidence is currently insufficient to determine the role of this variant in disease. Therefore, it has been classified as a Variant of Uncertain Significance.

Literature cited by the submitters: PubMed 17576681; PubMed 9536098.

NM_001122681.2(SH3BP2):c.1488+1_1488+17dup

Gene: SH3BP2 (SH3 domain binding protein 2; plus strand). Cytogenetic location: 4p16.3.
Variant type: Duplication.
Coding change: c.1488+1_1488+17dup on transcript NM_001122681.2 (MANE Select); the canonical splice donor site of the intron after coding-DNA position 1488 through 17 bases into the intron after coding-DNA position 1488, 17 bases duplicated (GTAGGCGCCAGGGGAAG).
Molecular consequence: splice donor variant.
Genome position (GRCh38, 1-based): chr4:2,832,413-2,832,429, GTAGGCGCCAGGGGAAG duplicated; duplicating any 17 consecutive bases within chr4:2,832,406-2,832,429 gives the same sequence; the c. name uses the placement nearest the transcript's 3' end. VCF-style (leftmost placement, unchanged base first): chr4-2832405-C-CGGGGAAGGTAGGCGCCA. GRCh37 (hg19) VCF-style: chr4-2834132-C-CGGGGAAGGTAGGCGCCA.
Other names: c.1572+1_1572+17dup (NM_001145855.2); c.1659+1_1659+17dup (NM_001145856.2); c.1488+1_1488+17dup (NM_003023.4).
Identifiers: ClinVar variation 3637431 (VCV003637431.2).
Genomic context (GRCh38, chr4:2,832,405, plus strand): 5'-CAAGCCCCCGGGGAGAGCCCCAGGATGGACTCTACTGCATCCGGAACTCCTCTACCAAGT[C>CGGGGAAGGTAGGCGCCA]GGGGAAGGTAGGCGCCAGGGGAAGATGCCCCAGGGCCCCTCTGGCTCTCCACACACCCAG-3'